The following is an entry in ClinVar:

NM_000070.3(CAPN3):c.679G>A (p.Ala227Thr)

Gene: CAPN3 (calpain 3; plus strand). Cytogenetic location: 15q15.1.
Variant type: single nucleotide variant.
Coding change: c.679G>A on transcript NM_000070.3 (MANE Select); coding-DNA position 679, G replaced by A.
Protein change: p.Ala227Thr; replaces alanine 227 with threonine.
Molecular consequence: missense variant.
Genome position (GRCh38, 1-based): chr15:42,388,974, G>A. VCF-style: chr15-42388974-G-A. GRCh37 (hg19) VCF-style: chr15-42681172-G-A.
Other names: c.679G>A, p.Ala227Thr (NM_024344.2, NM_173087.2); c.679G>A (NM_000070.2); short protein forms A227T.
Identifiers: ClinVar variation 813983 (VCV000813983.3), dbSNP rs1595822648, ClinGen allele CA391998139.

ClinVar aggregate classification (germline): Uncertain significance. Review status: criteria provided, multiple submitters, no conflicts (2 of 4 stars). 3 submissions from 3 submitters: Uncertain significance (3). Last evaluated 2025-02-13.

Conditions:
Autosomal recessive limb-girdle muscular dystrophy type 2A (LGMDR1). Also called: Calpainopathy; LEYDEN-MOEBIUS MUSCULAR DYSTROPHY; MUSCULAR DYSTROPHY, PELVOFEMORAL; Muscular dystrophy, limb-girdle, type 2A, Amish; Limb-girdle muscular dystrophy, type 2A. Identifiers: Orphanet 267, MedGen C1869123, MONDO:0009675, OMIM 253600. Disease mechanism: loss of function.

Submissions (3):

GeneDx
Classification: Uncertain significance. Last evaluated: 2025-02-13. Review status: criteria provided, single submitter. Criteria: GeneDx Variant Classification Process June 2021. Collection method: clinical testing. Allele origin: germline. Affected: yes.
Comment: Has not been previously published as pathogenic or benign to our knowledge; In silico analysis supports that this missense variant has a deleterious effect on protein structure/function; Not observed at significant frequency in large population cohorts (gnomAD)

Revvity Omics, Revvity
Classification: Uncertain significance. Last evaluated: 2024-07-18. Review status: criteria provided, single submitter. Criteria: ACMG Guidelines, 2015. Collection method: clinical testing. Allele origin: germline.

Broad Center for Mendelian Genomics, Broad Institute of MIT and Harvard
Classification: Uncertain significance for Autosomal recessive limb-girdle muscular dystrophy type 2A. Last evaluated: 2018-12-03. Review status: criteria provided, single submitter. Criteria: ACMG Guidelines, 2015. Collection method: research. Allele origin: germline. Inheritance: Autosomal recessive inheritance. Affected: yes.
Comment: This variant was absent from large population studies. Computational prediction tools and conservation analyses suggest that this variant may impact the protein by affecting the splicing site, though this information is not predictive enough to determine pathogenicity. In summary, the clinical significance of the p.Ala227Thr is uncertain. ACMG/AMP Criteria applied: PM2, PP3 (Richards 2015).